The following is an entry in ClinVar:

ClinVar aggregate classification (germline): Pathogenic. Review status: reviewed by expert panel (3 of 4 stars). 31 submissions from 30 submitters: Pathogenic (1). 30 of the submissions do not count toward it. Last evaluated 2016-04-22.

Conditions:
BRCA1-related disorder. Also called: BRCA1-related condition.
BRCA1-related cancer predisposition. Identifiers: MedGen CN377757, MONDO:0700268.
Hereditary cancer-predisposing syndrome. Also called: Neoplastic Syndromes, Hereditary; Tumor predisposition; Hereditary Cancer Syndrome; Hereditary neoplastic syndrome. Identifiers: Orphanet 140162, MedGen C0027672, MeSH D009386, MONDO:0015356.
Hereditary breast ovarian cancer syndrome. Also called: Hereditary breast and ovarian cancer; Breast and ovarian cancer; Hereditary breast and/or ovarian cancer syndrome; Hereditary breast and ovarian cancer syndrome (HBOC); Hereditary breast and ovarian cancer syndrome; BRCA1- and BRCA2-Associated Hereditary Breast and Ovarian Cancer. Identifiers: Orphanet 145, MedGen C0677776, MeSH D061325, MONDO:0003582. Disease mechanism: loss of function.
Breast-ovarian cancer, familial, susceptibility to, 1 (BROVCA1). Also called: OVARIAN CANCER, SUSCEPTIBILITY TO; BRCA1 Hereditary Breast and Ovarian Cancer. Identifiers: Orphanet 145, MedGen C2676676, MONDO:0011450, OMIM 604370. Disease mechanism: loss of function.
Familial cancer of breast. Also called: BREAST CANCER, FAMILIAL; Hereditary breast cancer; hereditary breast carcinoma. Identifiers: Orphanet 227535, MedGen C0346153, MONDO:0016419, OMIM 114480. Disease mechanism: loss of function.

gnomAD v4.1: 12 of 1,613,344 alleles (0.00074%); highest among the groups gnomAD compares: Non-Finnish European, 0.00093%; no homozygotes.

Submissions 1 to 8 of 31:

Evidence-based Network for the Interpretation of Germline Mutant Alleles (ENIGMA)
Classification: Pathogenic for Breast-ovarian cancer, familial, susceptibility to, 1. Last evaluated: 2016-04-22. Review status: reviewed by expert panel. Criteria: ENIGMA BRCA1/2 Classification Criteria (2015). Collection method: curation. Allele origin: germline.
Comment: Variant allele predicted to encode a truncated non-functional protein.

St. Jude Molecular Pathology, St. Jude Children's Research Hospital
Classification: Pathogenic for Breast-ovarian cancer, familial, susceptibility to, 1. Last evaluated: 2026-10-01. Review status: criteria provided, single submitter. Criteria: St. Jude Assertion Criteria 2020. Collection method: clinical testing. Allele origin: germline. Not counted in ClinVar's aggregate classification.
Comment: The BRCA1 c.427G>T p.(Glu143Ter) change is a nonsense variant that is predicted to cause premature protein truncation or absence of protein due to nonsense-mediated decay. This variant has been reported in individuals with HBOC-related cancers (PMID: 933 3265, 20104584, 33471991). This variant is absent in gnomAD v2.1.1. In summary, this variant meets criteria to be classified as pathogenic.

Labcorp Genetics (formerly Invitae), Labcorp
Classification: Pathogenic for Hereditary breast ovarian cancer syndrome. Last evaluated: 2026-01-16. Review status: criteria provided, single submitter. Criteria: Invitae Variant Classification Sherloc (09022015). Collection method: clinical testing. Allele origin: germline. Not counted in ClinVar's aggregate classification.
Comment: This sequence change creates a premature translational stop signal (p.Glu143*) in the BRCA1 gene. It is expected to result in an absent or disrupted protein product. Loss-of-function variants in BRCA1 are known to be pathogenic (PMID: 20104584). This variant is not present in population databases (gnomAD no frequency). This premature translational stop signal has been observed in individual(s) with breast and/or ovarian cancer (PMID: 9333265, 20104584, 22009639, 23961350, 24504028). This variant is also known as 546G>T and E143X. ClinVar contains an entry for this variant (Variation ID: 37581). For these reasons, this variant has been classified as Pathogenic.

Clinical Genomics Laboratory, Washington University in St. Louis
Classification: Pathogenic for Breast-ovarian cancer, familial, susceptibility to, 1. Last evaluated: 2025-08-15. Review status: criteria provided, single submitter. Criteria: ACMG Guidelines, 2015. Collection method: clinical testing. Allele origin: germline. Affected: yes. Not counted in ClinVar's aggregate classification.
Comment: The BRCA1 c.427G>T (p.Glu143*) variant, previously reported as 546G>T, has been reported in several individuals affected with breast, ovarian, and/or pancreatic cancer (Cunningham JM et al., PMID: 24504028; Lowery MA et al., PMID: 29506128; Nielsen HR et al., PMID: 26833046; Power R et al., PMID: 32918181; Susswein LR et al., PMID: 26681312; Yurgelun MB et al., PMID: 29961768). This variant has been reported in the ClinVar database as a germline pathogenic variant by an expert panel and is absent from the general population (gnomAD v.2.1.1), indicating it is not a common variant. This variant causes a premature termination codon, which is predicted to lead to nonsense-mediated decay. At least one functional study shows that this variant impacts BRCA1 function in ubiquitin E3 ligase assays (Starita LM et al., PMID: 25823446). Based on available information and the ClinGen ENIGMA BRCA1 and BRCA2 Expert Panel Specifications to the ACMG/AMP Variant Interpretation Guidelines for BRCA1 Version 1.2.0, this variant is classified as pathogenic.

Mayo Clinic Laboratories, Mayo Clinic
Classification: Pathogenic. Last evaluated: 2025-07-18. Review status: criteria provided, single submitter. Criteria: ACMG Guidelines, 2015. Collection method: clinical testing. Allele origin: germline. Observed: 4 variant alleles. Not counted in ClinVar's aggregate classification.
Comment: PM2_supporting, PM5_strong, PVS1

ARUP Laboratories, Molecular Genetics and Genomics, ARUP Laboratories
Classification: Pathogenic. Last evaluated: 2025-06-19. Review status: criteria provided, single submitter. Criteria: ARUP Molecular Germline Variant Investigation Process 2024. Collection method: clinical testing. Allele origin: germline. Not counted in ClinVar's aggregate classification.
Comment: The BRCA1 c.427G>T; p.Glu143Ter variant (rs80356991, ClinVar Variation ID: 37581) is reported in the literature in several individuals and families affected with breast, ovarian, or prostate cancer (selected references: Cunningham 2014, Evans 2022, Flaum 2022, McVeigh 2014, Nguyen-Dumont 2020, Ow 2019, Shattuck-Eidens 1997). This variant is also reported as a possible founder variant in the Irish population (Janavicius 2010, McVeigh 2014). This variant is absent from the Genome Aggregation Database (v2.1.1), indicating it is not a common polymorphism. The predicted truncated BRCA1 protein lacks homologous recombination activity when expressed in yeast (Caligo 2009). Additionally, this variant was found to impact a ubiquitin ligase assay (Starita 2015). This variant induces an early termination codon and is predicted to result in a truncated protein or mRNA subject to nonsense-mediated decay. Based on available information, this variant is considered to be pathogenic. References: Caligo MA et al. A yeast recombination assay to characterize human BRCA1 missense variants of unknown pathological significance. Hum Mutat. 2009 Jan;30(1):123-33. PMID: 18680205. Cunningham JM et al. Clinical characteristics of ovarian cancer classified by BRCA1, BRCA2, and RAD51C status. Sci Rep. 2014 Feb 7;4:4026. PMID: 24504028. Evans DG et al. High likelihood of actionable pathogenic variant detection in breast cancer genes in women with very early onset breast cancer. J Med Genet. 2022 Feb;59(2):115-121. PMID: 33758026. Flaum N et al. High detection rate from genetic testing in BRCA-negative women with familial epithelial ovarian cancer. Genet Med. 2022 Dec;24(12):2578-2586. PMID: 36169650. Janavicius R. Founder BRCA1/2 mutations in the Europe: implications for hereditary breast-ovarian cancer prevention and control. EPMA J. 2010 Sep;1(3):397-412. PMID: 23199084. McVeigh TP et al. Familial breast cancer genetic testing in the West of Ireland. Ir J Med Sci. 2014 Jun;183(2):199-206. PMID: 23884708. Nguyen-Dumont T et al. Rare germline genetic variants and risk of aggressive prostate cancer. Int J Cancer. 2020 Oct 15;147(8):2142-2149. PMID: 32338768. Ow SGW et al. Discoveries beyond BRCA1/2: Multigene testing in an Asian multi-ethnic cohort suspected of hereditary breast cancer syndrome in the real world. PLoS One. 2019 Mar 15;14(3):e0213746. PMID: 30875412. Shattuck-Eidens D et al. BRCA1 sequence analysis in women at high risk for susceptibility mutations. Risk factor analysis and implications for genetic testing. JAMA. 1997 Oct 15;278(15):1242-50. PMID: 9333265. Starita LM et al. Massively Parallel Functional Analysis of BRCA1 RING Domain Variants. Genetics. 2015 Jun;200(2):413-22. PMID: 25823446.

Bioscientia Institut fuer Medizinische Diagnostik GmbH, Sonic Healthcare
Classification: Pathogenic for Breast-ovarian cancer, familial, susceptibility to, 1. Last evaluated: 2025-01-07. Review status: criteria provided, single submitter. Criteria: ACMG Guidelines, 2015. Collection method: clinical testing. Allele origin: germline. Affected: yes. Not counted in ClinVar's aggregate classification.

Quest Diagnostics Nichols Institute San Juan Capistrano
Classification: Pathogenic. Last evaluated: 2024-10-17. Review status: criteria provided, single submitter. Criteria: Quest Diagnostics criteria. Collection method: clinical testing. Allele origin: unknown. Not counted in ClinVar's aggregate classification.
Comment: The BRCA1 c.427G>T (p.Glu143*) variant causes the premature termination of BRCA1 protein synthesis. This variant has been reported in the published literature in individuals affected with breast cancer (PMID: 27836010 (2016), 23961350 (2012), 22009639 (2012), 20104584 (2010)) and ovarian cancer (PMID: 36169650 (2022), 24504028 (2014)) as well as individuals with prostate cancer (PMID: 32338768 (2020)) and pancreatic cancer (PMID: 29961768 (2019), 29506128 (2018)). This variant has not been reported in large, multi-ethnic general populations (Genome Aggregation Database). Based on the available information, this variant is classified as pathogenic.

NM_007294.4(BRCA1):c.427G>T (p.Glu143Ter)

Gene: BRCA1 (BRCA1 DNA repair associated; minus strand). Cytogenetic location: 17q21.31.
Variant type: single nucleotide variant.
Coding change: c.427G>T on transcript NM_007294.4 (MANE Select); coding-DNA position 427, G replaced by T.
Protein change: p.Glu143Ter; replaces glutamic acid 143 with a stop codon.
Molecular consequence: nonsense. On other transcripts: non-coding transcript variant (1).
Genome position (GRCh38, 1-based): chr17:43,104,136, C>A on the plus strand (G>T on the coding strand, the complement: BRCA1 is on the minus strand). VCF-style: chr17-43104136-C-A. GRCh37 (hg19) VCF-style: chr17-41256153-C-A.
Other names: p.E143*:GAA>TAA; 546G>T; c.286G>T, p.Glu96Ter (NM_001407750.1, NM_001407751.1, NM_001407752.1 and 99 more transcripts); c.217G>T, p.Glu73Ter (NM_001407853.1, NM_001407879.1, NM_001407881.1 and 58 more transcripts); c.427G>T, p.Glu143Ter (NM_001407854.1, NM_001407858.1, NM_001407859.1 and 165 more transcripts); c.349G>T, p.Glu117Ter (NM_001407862.1, NM_001407874.1, NM_001407875.1 and 21 more transcripts); c.46G>T, p.Glu16Ter (NM_001407959.1, NM_001407960.1, NM_001407962.1 and 4 more transcripts); c.418G>T, p.Glu140Ter (NM_001408408.1, NM_001407646.1, NM_001407647.1); and 1 more; short protein forms E143*, E96*, E16*, E117*, E73*, E99*, E140*.
Identifiers: ClinVar variation 37581 (VCV000037581.81), dbSNP rs80356991, ClinGen allele CA002746.